The following is an entry in ClinVar:

ClinVar aggregate classification (germline): Uncertain significance. Review status: criteria provided, multiple submitters, no conflicts (2 of 4 stars). 2 submissions from 2 submitters: Uncertain significance (2). Last evaluated 2026-03-03.

Submissions (2):

GeneDx
Classification: Uncertain significance. Last evaluated: 2026-03-03. Review status: criteria provided, single submitter. Criteria: GeneDx Variant Classification Process June 2021. Collection method: clinical testing. Allele origin: germline.
Comment: Reported in a cohort of individuals with type 2 diabetes in published literature (PMID: 33046911); however, detailed proband information not provided; Not observed at significant frequency in large population cohorts (gnomAD); In silico analysis supports that this missense variant has a deleterious effect on protein structure/function; This variant is associated with the following publications: (PMID: 33046911)

Dasa
Classification: Uncertain significance. Last evaluated: 2024-12-03. Review status: criteria provided, single submitter. Criteria: DASA Assertion Criteria. Collection method: clinical testing. Allele origin: germline.
Comment: NM_000352.6(ABCC8):c.2474G>T (p.Arg825Leu) is a missense variant that results in the substitution of arginine with leucine. The affected residue or protein region has prior evidence supporting clinical relevance. This variant is rare in population databases. Computational prediction algorithms are consistent with a deleterious effect. The currently available literature and clinical evidence are not sufficient to establish a definitive association between this variant and the reported condition. Therefore, this variant is classified as a variant of uncertain significance.

NM_000352.6(ABCC8):c.2474G>T (p.Arg825Leu)

Genes: ABCC8 (ATP binding cassette subfamily C member 8; minus strand), LOC110121471 (VISTA enhancer hs1977; plus strand). Cytogenetic location: 11p15.1.
Variant type: single nucleotide variant.
Coding change: c.2474G>T on transcript NM_000352.6 (MANE Select); coding-DNA position 2474, G replaced by T.
Protein change: p.Arg825Leu; replaces arginine 825 with leucine.
Molecular consequence: missense variant. On other transcripts: non-coding transcript variant (1).
Genome position (GRCh38, 1-based): chr11:17,413,395, C>A on the plus strand (G>T on the coding strand, the complement: ABCC8 is on the minus strand). VCF-style: chr11-17413395-C-A. GRCh37 (hg19) VCF-style: chr11-17434942-C-A.
Other names: c.2477G>T, p.Arg826Leu (NM_001287174.3); c.2540G>T, p.Arg847Leu (NM_001351295.2); c.2474G>T, p.Arg825Leu (NM_001351296.2); c.2471G>T, p.Arg824Leu (NM_001351297.2); c.2474G>T (NM_000352.3); short protein forms R824L, R825L, R826L, R847L.
Identifiers: ClinVar variation 4885629 (VCV004885629.2).
Genomic context (GRCh38, chr11:17,413,395, plus strand): 5'-AGGGCATGGTAGGTTGGGGGTCCTGGCTTTGAAAAAACCCCTCAGAGGCTGCTACTAACC[C>A]GTTCCCCAATCTGGGTCTGGTCTCCATGGGGCAGGATGTCGATGTCTGGCTGCAGAGAGC-3'
Protein context (NP_000343.2, residues 815-835): PHGDQTQIGE[Arg825Leu]GINLSGGQRQ